The following is an entry in ClinVar:

ClinVar aggregate classification (germline): Uncertain significance. Review status: criteria provided, multiple submitters, no conflicts (2 of 4 stars). 2 submissions from 2 submitters: Uncertain significance (2). Last evaluated 2022-06-11.

Conditions:
Glycogen storage disease, type V (GSD5). Also called: MCARDLE DISEASE; MUSCLE GLYCOGEN PHOSPHORYLASE DEFICIENCY; MYOPHOSPHORYLASE DEFICIENCY; PYGM DEFICIENCY; McArdle type glycogen storage disease. Identifiers: Orphanet 368, MedGen C0017924, MONDO:0009293, OMIM 232600.

Allele frequency attached by ClinVar (database versions not stated): gnomAD 0.00001; gnomAD exomes 0.00001; ExAC 0.00002; TOPMed 0.00002.
gnomAD v4.1: 5 of 1,614,086 alleles (0.00031%); highest among the groups gnomAD compares: South Asian, 0.0033%; no homozygotes.

Submissions (2):

Labcorp Genetics (formerly Invitae), Labcorp
Classification: Uncertain significance for Glycogen storage disease, type V. Last evaluated: 2022-06-11. Review status: criteria provided, single submitter. Criteria: Invitae Variant Classification Sherloc (09022015). Collection method: clinical testing. Allele origin: germline.
Comment: This sequence change replaces asparagine, which is neutral and polar, with serine, which is neutral and polar, at codon 45 of the PYGM protein (p.Asn45Ser). This variant is present in population databases (rs769985937, gnomAD 0.006%). This variant has not been reported in the literature in individuals affected with PYGM-related conditions. Algorithms developed to predict the effect of missense changes on protein structure and function are either unavailable or do not agree on the potential impact of this missense change (SIFT: "Not Available"; PolyPhen-2: "Probably Damaging"; Align-GVGD: "Not Available"). In summary, the available evidence is currently insufficient to determine the role of this variant in disease. Therefore, it has been classified as a Variant of Uncertain Significance.

Revvity Omics, Revvity
Classification: Uncertain significance for Glycogen storage disease, type V. Last evaluated: 2020-01-28. Review status: criteria provided, single submitter. Criteria: ACMG Guidelines, 2015. Collection method: clinical testing. Allele origin: germline.

NM_005609.4(PYGM):c.134A>G (p.Asn45Ser)

Gene: PYGM (glycogen phosphorylase, muscle associated; minus strand). Cytogenetic location: 11q13.1.
Variant type: single nucleotide variant.
Coding change: c.134A>G on transcript NM_005609.4 (MANE Select); coding-DNA position 134, A replaced by G.
Protein change: p.Asn45Ser; replaces asparagine 45 with serine.
Molecular consequence: missense variant.
Genome position (GRCh38, 1-based): chr11:64,759,765, T>C on the plus strand (A>G on the coding strand, the complement: PYGM is on the minus strand). VCF-style: chr11-64759765-T-C. GRCh37 (hg19) VCF-style: chr11-64527237-T-C.
Other names: c.134A>G, p.Asn45Ser (NM_001164716.1); short protein forms N45S.
Identifiers: ClinVar variation 2200209 (VCV002200209.4), dbSNP rs769985937, ClinGen allele CA6080364.